The following is an entry in ClinVar:

ClinVar aggregate classification (germline): Uncertain significance. Review status: reviewed by expert panel (3 of 4 stars). 4 submissions from 4 submitters: Uncertain significance (1). 3 of the submissions do not count toward it. Last evaluated 2024-09-30.

Conditions:
Inborn genetic diseases. Identifiers: MedGen C0950123, MeSH D030342.
Hereditary thrombocytopenia and hematologic cancer predisposition syndrome. Identifiers: Orphanet 71290, MedGen CN281654, MONDO:0011071.
Hereditary thrombocytopenia and hematological cancer predisposition syndrome associated with RUNX1. Also called: Familial Platelet Disorder with Propensity to Acute Myelogenous Leukemia; Familial thrombocytopenia with propensity to acute myelogenous leukemia; PLATELET DISORDER, ASPIRIN-LIKE; RUNX1 Familial Platelet Disorder with Associated Myeloid Malignancies. Identifiers: Orphanet 71290, MedGen C1832388, MeSH C563324, MONDO:0100083, OMIM 601399.
Acute myeloid leukemia (AML). Also called: Acute myeloid leukemia, adult; AML adult; Acute non-lymphocytic leukemia; Acute granulocytic leukemia; Leukemia, acute myeloid, somatic; Leukemia, acute myelogenous, somatic. Identifiers: Orphanet 519, MedGen C0023467, MeSH D015470, MONDO:0018874, OMIM 601626, HP:0004808. Disease mechanism: Constitutively activated FLT3.

Allele frequency attached by ClinVar (database versions not stated): ExAC 0.00002.
gnomAD v4.1: 11 of 1,574,694 alleles (0.0007%); highest among the groups gnomAD compares: South Asian, 0.012%; no homozygotes.

Submissions (4):

ClinGen Myeloid Malignancy Variant Curation Expert Panel
Classification: Uncertain significance for Hereditary thrombocytopenia and hematologic cancer predisposition syndrome. Last evaluated: 2024-09-30. Review status: reviewed by expert panel. Criteria: ClinGen MyeloMalig ACMG Specifications v2. Collection method: curation. Allele origin: germline. Inheritance: Autosomal dominant inheritance.
Comment: NM_001754.5(RUNX1):c.683T>C (p.Leu228Pro) is a missense variant which does not meet any ACMG/AMP criteria. In summary, the clinical significance of this variant is uncertain. ACMG/AMP criteria applied, as specified by the Myeloid Malignancy Variant Curation Expert Panel for RUNX1: None.

Ambry Genetics
Classification: Uncertain significance for Inborn genetic diseases. Last evaluated: 2025-01-17. Review status: criteria provided, single submitter. Criteria: Ambry Variant Classification Scheme 2023. Collection method: clinical testing. Allele origin: germline. Not counted in ClinVar's aggregate classification.
Comment: The p.L228P variant (also known as c.683T>C), located in coding exon 6 of the RUNX1 gene, results from a T to C substitution at nucleotide position 683. The leucine at codon 228 is replaced by proline, an amino acid with similar properties. This amino acid position is conserved. In addition, this alteration is predicted to be deleterious by in silico analysis. Based on the available evidence, the clinical significance of this variant remains unclear.

Labcorp Genetics (formerly Invitae), Labcorp
Classification: Uncertain significance for Hereditary thrombocytopenia and hematological cancer predisposition syndrome associated with RUNX1. Last evaluated: 2023-04-06. Review status: criteria provided, single submitter. Criteria: Invitae Variant Classification Sherloc (09022015). Collection method: clinical testing. Allele origin: germline. Not counted in ClinVar's aggregate classification.
Comment: Advanced modeling of protein sequence and biophysical properties (such as structural, functional, and spatial information, amino acid conservation, physicochemical variation, residue mobility, and thermodynamic stability) performed at Invitae indicates that this missense variant is not expected to disrupt RUNX1 protein function. In summary, the available evidence is currently insufficient to determine the role of this variant in disease. Therefore, it has been classified as a Variant of Uncertain Significance. This variant has not been reported in the literature in individuals affected with RUNX1-related conditions. This sequence change replaces leucine, which is neutral and non-polar, with proline, which is neutral and non-polar, at codon 228 of the RUNX1 protein (p.Leu228Pro). This variant is present in population databases (rs751447523, gnomAD 0.006%).

Department of Pathology and Laboratory Medicine, Sinai Health System
Classification: Uncertain significance for Hereditary thrombocytopenia and hematological cancer predisposition syndrome associated with RUNX1; Acute myeloid leukemia. Last evaluated: 2020-05-12. Review status: criteria provided, single submitter. Criteria: ACMG Guidelines, 2015. Collection method: research. Allele origin: germline. Not counted in ClinVar's aggregate classification.

NM_001754.5(RUNX1):c.683T>C (p.Leu228Pro)

Gene: RUNX1 (RUNX family transcription factor 1; minus strand). Cytogenetic location: 21q22.12.
Variant type: single nucleotide variant.
Coding change: c.683T>C on transcript NM_001754.5 (MANE Select); coding-DNA position 683, T replaced by C.
Protein change: p.Leu228Pro; replaces leucine 228 with proline.
Molecular consequence: missense variant.
Genome position (GRCh38, 1-based): chr21:34,834,532, A>G on the plus strand (T>C on the coding strand, the complement: RUNX1 is on the minus strand). VCF-style: chr21-34834532-A-G. GRCh37 (hg19) VCF-style: chr21-36206829-A-G.
Other names: NM_001754.5(RUNX1):c.683T>C; p.Leu228Pro; c.602T>C, p.Leu201Pro (NM_001001890.3, NM_001122607.2); short protein forms L201P, L228P.
Identifiers: ClinVar variation 2741843 (VCV002741843.5), dbSNP rs751447523, ClinGen allele CA10014379.